The following is an entry in ClinVar:

ClinVar aggregate classification (germline): Uncertain significance (1 of 4 stars; one submission).

Conditions:
Intellectual developmental disorder, autosomal dominant 1. Also called: Intellectual disability, autosomal dominant 1; MBD5 Haploinsufficiency. Identifiers: Orphanet 228402, MedGen C1969562, MONDO:0007974, OMIM 156200.

Allele frequency attached by ClinVar (database versions not stated): gnomAD 0.00001; gnomAD exomes below 0.00001.
gnomAD v4.1: 7 of 1,613,878 alleles (0.00043%); highest among the groups gnomAD compares: Non-Finnish European, 0.00059%; no homozygotes.

Submission:

Labcorp Genetics (formerly Invitae), Labcorp
Classification: Uncertain significance for Intellectual developmental disorder, autosomal dominant 1. Last evaluated: 2025-03-18. Review status: criteria provided, single submitter. Criteria: Invitae Variant Classification Sherloc (09022015). Collection method: clinical testing. Allele origin: germline.
Comment: This sequence change replaces serine, which is neutral and polar, with arginine, which is basic and polar, at codon 743 of the MBD5 protein (p.Ser743Arg). This variant is present in population databases (no rsID available, gnomAD 0.007%). This variant has not been reported in the literature in individuals affected with MBD5-related conditions. ClinVar contains an entry for this variant (Variation ID: 1024724). Invitae Evidence Modeling of protein sequence and biophysical properties (such as structural, functional, and spatial information, amino acid conservation, physicochemical variation, residue mobility, and thermodynamic stability) indicates that this missense variant is not expected to disrupt MBD5 protein function with a negative predictive value of 80%. In summary, the available evidence is currently insufficient to determine the role of this variant in disease. Therefore, it has been classified as a Variant of Uncertain Significance.

NM_001378120.1(MBD5):c.2227A>C (p.Ser743Arg)

Gene: MBD5 (methyl-CpG binding domain protein 5; plus strand). Cytogenetic location: 2q23.1.
Variant type: single nucleotide variant.
Coding change: c.2227A>C on transcript NM_001378120.1 (MANE Select); coding-DNA position 2227, A replaced by C.
Protein change: p.Ser743Arg; replaces serine 743 with arginine.
Molecular consequence: missense variant.
Genome position (GRCh38, 1-based): chr2:148,470,170, A>C. VCF-style: chr2-148470170-A-C. GRCh37 (hg19) VCF-style: chr2-149227739-A-C.
Other names: c.2227A>C, p.Ser743Arg (NM_018328.5); short protein forms S743R.
Identifiers: ClinVar variation 1024724 (VCV001024724.9), dbSNP rs1442226073, ClinGen allele CA348721392.
Genomic context (GRCh38, chr2:148,470,170, plus strand): 5'-TGTGGGGCCTCAAATACTGCTTTGCCTTGCTCTGCTAACCAGCTGCATTTTACAGATCCC[A>C]GTATGAACTCTAGTGTTCTTCAGAACATACCTTTAAGAGGGGAAGCCGTGCACTGCCACA-3'
Protein context (NP_001365049.1, residues 733-753): SANQLHFTDP[Ser743Arg]MNSSVLQNIP